The following is an entry in ClinVar:

NM_015378.4(VPS13D):c.8073T>G (p.Asp2691Glu)

Gene: VPS13D (vacuolar protein sorting 13 homolog D; plus strand). Cytogenetic location: 1p36.22.
Variant type: single nucleotide variant.
Coding change: c.8073T>G on transcript NM_015378.4 (MANE Select); coding-DNA position 8073, T replaced by G.
Protein change: p.Asp2691Glu; replaces aspartic acid 2691 with glutamic acid.
Molecular consequence: missense variant.
Genome position (GRCh38, 1-based): chr1:12,327,730, T>G. VCF-style: chr1-12327730-T-G. GRCh37 (hg19) VCF-style: chr1-12387787-T-G.
Other names: c.8073T>G, p.Asp2691Glu (NM_018156.4); short protein forms D2691E.
Identifiers: ClinVar variation 1956577 (VCV001956577.3), dbSNP rs933010475, ClinGen allele CA18035364.

ClinVar aggregate classification (germline): Uncertain significance (1 of 4 stars; one submission).

gnomAD v4.1: 1 of 1,614,180 alleles (0.000062%); highest among the groups gnomAD compares: Non-Finnish European, 0.000085%; no homozygotes.

Submission:

Labcorp Genetics (formerly Invitae), Labcorp
Classification: Uncertain significance. Last evaluated: 2024-11-05. Review status: criteria provided, single submitter. Criteria: Invitae Variant Classification Sherloc (09022015). Collection method: clinical testing. Allele origin: germline.
Comment: This sequence change replaces aspartic acid, which is acidic and polar, with glutamic acid, which is acidic and polar, at codon 2691 of the VPS13D protein (p.Asp2691Glu). This variant is not present in population databases (gnomAD no frequency). This variant has not been reported in the literature in individuals affected with VPS13D-related conditions. ClinVar contains an entry for this variant (Variation ID: 1956577). Invitae Evidence Modeling of protein sequence and biophysical properties (such as structural, functional, and spatial information, amino acid conservation, physicochemical variation, residue mobility, and thermodynamic stability) indicates that this missense variant is not expected to disrupt VPS13D protein function with a negative predictive value of 80%. In summary, the available evidence is currently insufficient to determine the role of this variant in disease. Therefore, it has been classified as a Variant of Uncertain Significance.